The following is an entry in ClinVar:

NM_000038.6(APC):c.4244G>A (p.Ser1415Asn)

Gene: APC (APC regulator of Wnt signaling pathway; plus strand). Cytogenetic location: 5q22.2.
Variant type: single nucleotide variant.
Coding change: c.4244G>A on transcript NM_000038.6 (MANE Select); coding-DNA position 4244, G replaced by A.
Protein change: p.Ser1415Asn; replaces serine 1415 with asparagine.
Molecular consequence: missense variant. On other transcripts: non-coding transcript variant (2).
Genome position (GRCh38, 1-based): chr5:112,839,838, G>A. VCF-style: chr5-112839838-G-A. GRCh37 (hg19) VCF-style: chr5-112175535-G-A.
Other names: c.4244G>A, p.Ser1415Asn (NM_001127510.3, NM_001354895.2, NM_001407450.1); c.4190G>A, p.Ser1397Asn (NM_001127511.3); c.4298G>A, p.Ser1433Asn (NM_001354896.2, NM_001407447.1, NM_001407448.1 and 1 more transcripts); c.4274G>A, p.Ser1425Asn (NM_001354897.2); c.4169G>A, p.Ser1390Asn (NM_001354898.2); c.4160G>A, p.Ser1387Asn (NM_001354899.2); c.4121G>A, p.Ser1374Asn (NM_001354900.2); c.4067G>A, p.Ser1356Asn (NM_001354901.2, NM_001407453.1); and 11 more; short protein forms S1286N, S1374N, S1387N, S1289N, S1314N, S1324N, S1332N, S1397N.
Identifiers: ClinVar variation 2859409 (VCV002859409.3), dbSNP rs2149909867, ClinGen allele CA16030629.

ClinVar aggregate classification (germline): Uncertain significance (1 of 4 stars; one submission).

Conditions:
Familial adenomatous polyposis 1 (FAP1). Also called: FAMILIAL ADENOMATOUS POLYPOSIS 1, ATTENUATED; POLYPOSIS, ADENOMATOUS INTESTINAL. Identifiers: MedGen C2713442, MONDO:0021056, OMIM 175100. Disease mechanism: loss of function.

Submission:

Labcorp Genetics (formerly Invitae), Labcorp
Classification: Uncertain significance for Familial adenomatous polyposis 1. Last evaluated: 2024-04-10. Review status: criteria provided, single submitter. Criteria: Invitae Variant Classification Sherloc (09022015). Collection method: clinical testing. Allele origin: germline.
Comment: This sequence change replaces serine, which is neutral and polar, with asparagine, which is neutral and polar, at codon 1415 of the APC protein (p.Ser1415Asn). This variant is not present in population databases (gnomAD no frequency). This variant has not been reported in the literature in individuals affected with APC-related conditions. Advanced modeling of protein sequence and biophysical properties (such as structural, functional, and spatial information, amino acid conservation, physicochemical variation, residue mobility, and thermodynamic stability) performed at Invitae indicates that this missense variant is not expected to disrupt APC protein function with a negative predictive value of 95%. In summary, the available evidence is currently insufficient to determine the role of this variant in disease. Therefore, it has been classified as a Variant of Uncertain Significance.